The following is an entry in ClinVar:

NM_004006.3(DMD):c.7243C>T (p.Arg2415Cys)

Gene: DMD (dystrophin; minus strand). Cytogenetic location: Xp21.1.
Variant type: single nucleotide variant.
Coding change: c.7243C>T on transcript NM_004006.3 (MANE Select); coding-DNA position 7243, C replaced by T.
Protein change: p.Arg2415Cys; replaces arginine 2415 with cysteine.
Molecular consequence: missense variant. On other transcripts: 5 prime UTR variant (5).
Genome position (GRCh38, 1-based): chrX:31,820,041, G>A on the plus strand (C>T on the coding strand, the complement: DMD is on the minus strand). VCF-style: chrX-31820041-G-A. GRCh37 (hg19) VCF-style: chrX-31838158-G-A.
Other names: c.7219C>T, p.Arg2407Cys (NM_000109.4); c.7231C>T, p.Arg2411Cys (NM_004009.3); c.6874C>T, p.Arg2292Cys (NM_004010.3); c.3220C>T, p.Arg1074Cys (NM_004011.4); c.3211C>T, p.Arg1071Cys (NM_004012.4); c.-138C>T (NM_004013.3, NM_004020.4, NM_004021.3 and 2 more transcripts); short protein forms R2411C, R1071C, R1074C, R2292C, R2407C.
Identifiers: ClinVar variation 166702 (VCV000166702.24), dbSNP rs139395045, ClinGen allele CA233490.

ClinVar aggregate classification (germline): Conflicting classifications of pathogenicity. Review status: criteria provided, conflicting classifications (1 of 4 stars). 6 submissions from 6 submitters: Uncertain significance (1); Benign (2); Likely benign (2). 1 of the submissions does not count toward it. Last evaluated 2026-07-01.

Conditions:
Becker muscular dystrophy (BMD). Also called: Becker Muscular Dystrophy (BMD); MUSCULAR DYSTROPHY, PSEUDOHYPERTROPHIC PROGRESSIVE, BECKER TYPE. Identifiers: Orphanet 98895, MedGen C0917713, MONDO:0010311, OMIM 300376.
Cardiomyopathy (CMYO). Also called: Cardiomyopathies. Identifiers: Orphanet 167848, MedGen C0878544, MONDO:0004994, HP:0001638. Inheritance: Various modes of inheritance.
Duchenne muscular dystrophy (DMD). Also called: Duchenne Muscular Dystrophy (DMD); MUSCULAR DYSTROPHY, PSEUDOHYPERTROPHIC PROGRESSIVE, DUCHENNE TYPE. Identifiers: Orphanet 98896, MedGen C0013264, MONDO:0010679, OMIM 310200.
Dystrophin deficiency.
Cardiovascular phenotype. Identifiers: MedGen CN230736.

Allele frequency attached by ClinVar (database versions not stated): gnomAD exomes 0.00007 and 0.00021; ExAC 0.00031; gnomAD 0.00045 and 0.00046; TOPMed 0.00053; ESP Exome Variant Server 0.00057; 1000 Genomes Project 0.00106; 1000 Genomes Project 30x 0.00125.
gnomAD v4.1: 126 of 1,209,890 alleles (0.01%); highest among the groups gnomAD compares: African/African-American, 0.16%; no homozygotes.

Submissions (6):

CeGaT Center for Human Genetics Tuebingen
Classification: Likely benign. Last evaluated: 2026-07-01. Review status: criteria provided, single submitter. Criteria: CeGaT Center For Human Genetics Tuebingen Variant Classification Criteria Version 2. Collection method: clinical testing. Allele origin: germline. Affected: yes. Observed: 1 variant allele.
Comment: DMD: BP4, BS2

Labcorp Genetics (formerly Invitae), Labcorp
Classification: Benign for Duchenne muscular dystrophy. Last evaluated: 2026-02-01. Review status: criteria provided, single submitter. Criteria: Invitae Variant Classification Sherloc (09022015). Collection method: clinical testing. Allele origin: germline.

GeneDx
Classification: Benign. Last evaluated: 2019-06-06. Review status: criteria provided, single submitter. Criteria: GeneDx Variant Classification Process June 2021. Collection method: clinical testing. Allele origin: germline. Affected: yes.

Eurofins Ntd Llc (ga)
Classification: Uncertain significance. Last evaluated: 2016-04-29. Review status: criteria provided, single submitter. Criteria: EGL Classification Definitions 2015. Collection method: clinical testing. Allele origin: germline. Observed: 2 variant alleles, 2 heterozygotes.

Ambry Genetics
Classification: Likely benign for Cardiovascular phenotype. Last evaluated: 2016-01-29. Review status: criteria provided, single submitter. Criteria: Ambry Variant Classification Scheme 2023. Collection method: clinical testing. Allele origin: germline.

Natera, Inc.
Classification: Likely benign for Becker muscular dystrophy; Cardiomyopathy; Duchenne muscular dystrophy; Dystrophin deficiency. Last evaluated: 2019-08-02. Review status: no assertion criteria provided. Collection method: clinical testing. Allele origin: germline. Not counted in ClinVar's aggregate classification.